The following is an entry in ClinVar:

NM_001278064.2(GRM1):c.3300C>A (p.Ser1100Arg)

Gene: GRM1 (glutamate metabotropic receptor 1; plus strand). Cytogenetic location: 6q24.3.
Variant type: single nucleotide variant.
Coding change: c.3300C>A on transcript NM_001278064.2 (MANE Select); coding-DNA position 3300, C replaced by A.
Protein change: p.Ser1100Arg; replaces serine 1100 with arginine.
Molecular consequence: missense variant. On other transcripts: 3 prime UTR variant (3).
Genome position (GRCh38, 1-based): chr6:146,434,511, C>A. VCF-style: chr6-146434511-C-A. GRCh37 (hg19) VCF-style: chr6-146755647-C-A.
Other names: c.*664C>A (NM_001278065.2); c.*629C>A (NM_001278066.1); c.*538C>A (NM_001278067.1); short protein forms S1100R.
Identifiers: ClinVar variation 1690847 (VCV001690847.5), dbSNP rs1227591846, ClinGen allele CA366193436.

ClinVar aggregate classification (germline): Conflicting classifications of pathogenicity. Review status: criteria provided, conflicting classifications (1 of 4 stars). 2 submissions from 2 submitters: Uncertain significance (1); Likely benign (1). Last evaluated 2025-06-16.

Allele frequency attached by ClinVar (database versions not stated): gnomAD 0.00001; TOPMed 0.00001; gnomAD exomes below 0.00001.
gnomAD v4.1: 5 of 1,613,968 alleles (0.00031%); highest among the groups gnomAD compares: Non-Finnish European, 0.00042%; no homozygotes.

Submissions (2):

Labcorp Genetics (formerly Invitae), Labcorp
Classification: Uncertain significance. Last evaluated: 2025-06-16. Review status: criteria provided, single submitter. Criteria: Invitae Variant Classification Sherloc (09022015). Collection method: clinical testing. Allele origin: germline.
Comment: This sequence change replaces serine, which is neutral and polar, with arginine, which is basic and polar, at codon 1100 of the GRM1 protein (p.Ser1100Arg). This variant is present in population databases (no rsID available, gnomAD 0.0009%). This variant has not been reported in the literature in individuals affected with GRM1-related conditions. ClinVar contains an entry for this variant (Variation ID: 1690847). An algorithm developed to predict the effect of missense changes on protein structure and function (PolyPhen-2) suggests that this variant is likely to be tolerated. In summary, the available evidence is currently insufficient to determine the role of this variant in disease. Therefore, it has been classified as a Variant of Uncertain Significance.

Laboratorio de Genetica e Diagnostico Molecular, Hospital Israelita Albert Einstein
Classification: Likely benign. Last evaluated: 2020-03-28. Review status: criteria provided, single submitter. Criteria: ACMG Guidelines, 2015. Collection method: clinical testing. Allele origin: germline. Affected: yes.
Comment: ACMG classification criteria: PM2, BP1, BP4